The following is an entry in ClinVar:

ClinVar aggregate classification (germline): Likely benign (1 of 4 stars; one submission).

Submission:

CeGaT Center for Human Genetics Tuebingen
Classification: Likely benign. Last evaluated: 2026-09-01. Review status: criteria provided, single submitter. Criteria: CeGaT Center For Human Genetics Tuebingen Variant Classification Criteria Version 2. Collection method: clinical testing. Allele origin: germline. Affected: yes. Observed: 1 variant allele.
Comment: TEDC1: BP4, BP7

NM_001367178.1(TEDC1):c.256C>T (p.Leu86=)

Gene: TEDC1 (tubulin epsilon and delta complex 1; plus strand). Cytogenetic location: 14q32.33.
Variant type: single nucleotide variant.
Coding change: c.256C>T on transcript NM_001367178.1 (MANE Select); coding-DNA position 256, C replaced by T.
Protein change: p.Leu86=; no amino-acid change (leucine 86 retained).
Molecular consequence: synonymous variant.
Genome position (GRCh38, 1-based): chr14:105,492,136, C>T. VCF-style: chr14-105492136-C-T. GRCh37 (hg19) VCF-style: chr14-105958473-C-T.
Other names: c.256C>T, p.Leu86= (NM_001134875.2, NM_001134876.2); c.133C>T, p.Leu45= (NM_001134877.1); c.139C>T, p.Leu47= (NM_001198983.2).
Identifiers: ClinVar variation 5040818 (VCV005040818.1).